The following is an entry in ClinVar:

ClinVar aggregate classification (germline): Uncertain significance (1 of 4 stars; one submission).

Submission:

CeGaT Center for Human Genetics Tuebingen
Classification: Uncertain significance. Last evaluated: 2026-02-01. Review status: criteria provided, single submitter. Criteria: CeGaT Center For Human Genetics Tuebingen Variant Classification Criteria Version 2. Collection method: clinical testing. Allele origin: germline. Affected: yes. Observed: 1 variant allele.
Comment: MYO3A: PM2

NM_017433.5(MYO3A):c.2069T>C (p.Ile690Thr)

Gene: MYO3A (myosin IIIA; plus strand). Cytogenetic location: 10p12.1.
Variant type: single nucleotide variant.
Coding change: c.2069T>C on transcript NM_017433.5 (MANE Select); coding-DNA position 2069, T replaced by C.
Protein change: p.Ile690Thr; replaces isoleucine 690 with threonine.
Molecular consequence: missense variant.
Genome position (GRCh38, 1-based): chr10:26,125,563, T>C. VCF-style: chr10-26125563-T-C. GRCh37 (hg19) VCF-style: chr10-26414492-T-C.
Other names: short protein forms I690T.
Identifiers: ClinVar variation 4823404 (VCV004823404.4).